The following is an entry in ClinVar:

ClinVar aggregate classification (germline): Likely benign. Review status: reviewed by expert panel (3 of 4 stars). 5 submissions from 5 submitters: Likely benign (1). 4 of the submissions do not count toward it. Last evaluated 2017-06-29.

Conditions:
Hereditary cancer-predisposing syndrome. Also called: Hereditary Cancer Syndrome; Tumor predisposition; Hereditary neoplastic syndrome; Neoplastic Syndromes, Hereditary. Identifiers: Orphanet 140162, MedGen C0027672, MeSH D009386, MONDO:0015356.
Hereditary breast ovarian cancer syndrome. Also called: Hereditary breast and ovarian cancer syndrome (HBOC); Breast and ovarian cancer; Hereditary breast and/or ovarian cancer syndrome; Hereditary breast and ovarian cancer; Hereditary breast and ovarian cancer syndrome; BRCA1- and BRCA2-Associated Hereditary Breast and Ovarian Cancer. Identifiers: Orphanet 145, MedGen C0677776, MeSH D061325, MONDO:0003582. Disease mechanism: loss of function.
Breast-ovarian cancer, familial, susceptibility to, 2 (BROVCA2). Also called: BRCA2 Hereditary Breast and Ovarian Cancer. Identifiers: Orphanet 145, MedGen C2675520, MONDO:0012933, OMIM 612555. Disease mechanism: loss of function.

Allele frequency attached by ClinVar (database versions not stated): gnomAD exomes below 0.00001.
gnomAD v4.1: 1 of 1,587,756 alleles (0.000063%); highest among the groups gnomAD compares: Non-Finnish European, 0.000085%; no homozygotes.

Submissions (5):

Evidence-based Network for the Interpretation of Germline Mutant Alleles (ENIGMA)
Classification: Likely benign for Breast-ovarian cancer, familial, susceptibility to, 2. Last evaluated: 2017-06-29. Review status: reviewed by expert panel. Criteria: ENIGMA BRCA1/2 Classification Criteria (2017-06-29). Collection method: curation. Allele origin: germline.
Comment: Synonymous substitution variant, with low bioinformatic likelihood to result in a splicing aberration (Splicing prior probability 0.02).

Labcorp Genetics (formerly Invitae), Labcorp
Classification: Likely benign for Hereditary breast ovarian cancer syndrome. Last evaluated: 2025-10-06. Review status: criteria provided, single submitter. Criteria: Invitae Variant Classification Sherloc (09022015). Collection method: clinical testing. Allele origin: germline. Not counted in ClinVar's aggregate classification.

Blueprint Genetics
Classification: Likely benign. Last evaluated: 2024-11-25. Review status: criteria provided, single submitter. Criteria: ACMG Guidelines, 2015. Collection method: clinical testing. Allele origin: germline. Not counted in ClinVar's aggregate classification.

Ambry Genetics
Classification: Likely benign for Hereditary cancer-predisposing syndrome. Last evaluated: 2022-11-23. Review status: criteria provided, single submitter. Criteria: Ambry Variant Classification Scheme 2023. Collection method: clinical testing. Allele origin: germline. Not counted in ClinVar's aggregate classification.

PreventionGenetics, part of Exact Sciences
Classification: Likely benign. Review status: criteria provided, single submitter. Criteria: ACMG Guidelines, 2015. Collection method: clinical testing. Allele origin: germline. Not counted in ClinVar's aggregate classification.

NM_000059.4(BRCA2):c.2646T>A (p.Leu882=)

Gene: BRCA2 (BRCA2 DNA repair associated; plus strand). Cytogenetic location: 13q13.1.
Variant type: single nucleotide variant.
Coding change: c.2646T>A on transcript NM_000059.4 (MANE Select); coding-DNA position 2646, T replaced by A.
Protein change: p.Leu882=; no amino-acid change (leucine 882 retained).
Molecular consequence: synonymous variant.
Genome position (GRCh38, 1-based): chr13:32,337,001, T>A. VCF-style: chr13-32337001-T-A. GRCh37 (hg19) VCF-style: chr13-32911138-T-A.
Identifiers: ClinVar variation 254782 (VCV000254782.14), dbSNP rs886038221, ClinGen allele CA10587170.
Genomic context (GRCh38, chr13:32,337,001, plus strand): 5'-AAATCAAGAAGAAACTACTTCAATTTCAAAAATAACTGTCAATCCAGACTCTGAAGAACT[T>A]TTCTCAGACAATGAGAATAATTTTGTCTTCCAAGTAGCTAATGAAAGGAATAATCTTGCT-3'
Protein context (NP_000050.3, residues 872-892): KITVNPDSEE[Leu882=]FSDNENNFVF